The following is an entry in ClinVar:

ClinVar aggregate classification (germline): Uncertain significance. Review status: criteria provided, multiple submitters, no conflicts (2 of 4 stars). 4 submissions from 4 submitters: Uncertain significance (4). Last evaluated 2025-02-17.

Conditions:
Familial adenomatous polyposis 1 (FAP1). Also called: FAMILIAL ADENOMATOUS POLYPOSIS 1, ATTENUATED; POLYPOSIS, ADENOMATOUS INTESTINAL. Identifiers: MedGen C2713442, MONDO:0021056, OMIM 175100. Disease mechanism: loss of function.
Hereditary cancer-predisposing syndrome. Also called: Tumor predisposition; Hereditary Cancer Syndrome; Neoplastic Syndromes, Hereditary; Hereditary neoplastic syndrome. Identifiers: Orphanet 140162, MedGen C0027672, MeSH D009386, MONDO:0015356.

Allele frequency attached by ClinVar (database versions not stated): gnomAD 0.00001; TOPMed 0.00002.
gnomAD v4.1: 2 of 1,614,034 alleles (0.00012%); highest among the groups gnomAD compares: African/African-American, 0.0027%; no homozygotes.

Submissions (4):

Labcorp Genetics (formerly Invitae), Labcorp
Classification: Uncertain significance for Familial adenomatous polyposis 1. Last evaluated: 2025-02-17. Review status: criteria provided, single submitter. Criteria: Invitae Variant Classification Sherloc (09022015). Collection method: clinical testing. Allele origin: germline.
Comment: This sequence change replaces serine, which is neutral and polar, with alanine, which is neutral and non-polar, at codon 107 of the APC protein (p.Ser107Ala). This variant is not present in population databases (gnomAD no frequency). This variant has not been reported in the literature in individuals affected with APC-related conditions. ClinVar contains an entry for this variant (Variation ID: 620613). Invitae Evidence Modeling of protein sequence and biophysical properties (such as structural, functional, and spatial information, amino acid conservation, physicochemical variation, residue mobility, and thermodynamic stability) indicates that this missense variant is not expected to disrupt APC protein function with a negative predictive value of 95%. In summary, the available evidence is currently insufficient to determine the role of this variant in disease. Therefore, it has been classified as a Variant of Uncertain Significance.

Ambry Genetics
Classification: Uncertain significance for Hereditary cancer-predisposing syndrome. Last evaluated: 2024-05-15. Review status: criteria provided, single submitter. Criteria: Ambry Variant Classification Scheme 2023. Collection method: clinical testing. Allele origin: germline.
Comment: The p.S107A variant (also known as c.319T>G), located in coding exon 3 of the APC gene, results from a T to G substitution at nucleotide position 319. The serine at codon 107 is replaced by alanine, an amino acid with similar properties. This amino acid position is highly conserved through mammals but not in all available vertebrate species. In addition, in silico predictors for this gene do not accurately predict pathogenicity. Since supporting evidence is limited at this time, the clinical significance of this alteration remains unclear.

Color Diagnostics, LLC DBA Color Health
Classification: Uncertain significance for Hereditary cancer-predisposing syndrome. Last evaluated: 2024-03-06. Review status: criteria provided, single submitter. Criteria: ACMG Guidelines, 2015. Collection method: clinical testing. Allele origin: germline.
Comment: This missense variant replaces serine with alanine at codon 107 of the APC protein. Computational prediction suggests that this variant may not impact protein structure and function. To our knowledge, functional studies have not been reported for this variant. This variant has not been reported in individuals affected with hereditary cancer in the literature. This variant has not been identified in the general population by the Genome Aggregation Database (gnomAD). The available evidence is insufficient to determine the role of this variant in disease conclusively. Therefore, this variant is classified as a Variant of Uncertain Significance.

St. Jude Molecular Pathology, St. Jude Children's Research Hospital
Classification: Uncertain significance for Familial adenomatous polyposis 1. Last evaluated: 2021-08-03. Review status: criteria provided, single submitter. Criteria: St. Jude Assertion Criteria 2020. Collection method: clinical testing. Allele origin: germline.

NM_000038.6(APC):c.319T>G (p.Ser107Ala)

Gene: APC (APC regulator of Wnt signaling pathway; plus strand). Cytogenetic location: 5q22.2.
Variant type: single nucleotide variant.
Coding change: c.319T>G on transcript NM_000038.6 (MANE Select); coding-DNA position 319, T replaced by G.
Protein change: p.Ser107Ala; replaces serine 107 with alanine.
Molecular consequence: missense variant. On other transcripts: 5 prime UTR variant (1).
Genome position (GRCh38, 1-based): chr5:112,767,287, T>G. VCF-style: chr5-112767287-T-G. GRCh37 (hg19) VCF-style: chr5-112102984-T-G.
Other names: c.319T>G, p.Ser107Ala (NM_001127510.3, NM_001354895.2, NM_001354896.2 and 2 more transcripts); c.349T>G, p.Ser117Ala (NM_001127511.3, NM_001354897.2, NM_001354902.2); c.244T>G, p.Ser82Ala (NM_001354898.2, NM_001354904.2); c.142T>G, p.Ser48Ala (NM_001354900.2, NM_001354901.2, NM_001354905.2); c.-717T>G (NM_001354906.2); short protein forms S107A, S117A, S82A, S48A.
Identifiers: ClinVar variation 620613 (VCV000620613.19), dbSNP rs1485866385, ClinGen allele CA16022020.